The following is an entry in ClinVar:

NM_000809.4(GABRA4):c.652T>G (p.Ser218Ala)

Gene: GABRA4 (gamma-aminobutyric acid type A receptor subunit alpha4; minus strand). Cytogenetic location: 4p12.
Variant type: single nucleotide variant.
Coding change: c.652T>G on transcript NM_000809.4 (MANE Select); coding-DNA position 652, T replaced by G.
Protein change: p.Ser218Ala; replaces serine 218 with alanine.
Molecular consequence: missense variant.
Genome position (GRCh38, 1-based): chr4:46,974,301, A>C on the plus strand (T>G on the coding strand, the complement: GABRA4 is on the minus strand). VCF-style: chr4-46974301-A-C. GRCh37 (hg19) VCF-style: chr4-46976318-A-C.
Other names: c.595T>G, p.Ser199Ala (NM_001204266.2, NM_001204267.2); short protein forms S199A, S218A.
Identifiers: ClinVar variation 3900364 (VCV003900364.1).

ClinVar aggregate classification (germline): Uncertain significance (1 of 4 stars; one submission).

Submission:

GeneDx
Classification: Uncertain significance. Last evaluated: 2024-11-22. Review status: criteria provided, single submitter. Criteria: GeneDx Variant Classification Process June 2021. Collection method: clinical testing. Allele origin: germline. Affected: yes.
Comment: Not observed at significant frequency in large population cohorts (gnomAD); In silico analysis indicates that this missense variant does not alter protein structure/function; Has not been previously published as pathogenic or benign to our knowledge